The following is an entry in ClinVar:

NM_018383.5(WDR33):c.626+213A>G

Gene: WDR33 (WD repeat domain 33; minus strand). Cytogenetic location: 2q14.3.
Variant type: single nucleotide variant.
Coding change: c.626+213A>G on transcript NM_018383.5 (MANE Select); 213 bases into the intron after coding-DNA position 626, A replaced by G.
Molecular consequence: intron variant. On other transcripts: missense variant (1).
Genome position (GRCh38, 1-based): chr2:127,764,615, T>C on the plus strand (A>G on the coding strand, the complement: WDR33 is on the minus strand). VCF-style: chr2-127764615-T-C. GRCh37 (hg19) VCF-style: chr2-128522189-T-C.
Other names: c.839A>G, p.Tyr280Cys (NM_001006622.3); c.626+213A>G (NM_001006623.4); short protein forms Y280C.
Identifiers: ClinVar variation 3904862 (VCV003904862.10).

ClinVar aggregate classification (germline): Likely benign (1 of 4 stars; one submission).

gnomAD v4.1: 10,062 of 1,553,600 alleles (0.65%); highest among the groups gnomAD compares: Middle Eastern, 1.5%; 57 homozygotes.

Submission:

CeGaT Center for Human Genetics Tuebingen
Classification: Likely benign. Last evaluated: 2025-06-01. Review status: criteria provided, single submitter. Criteria: CeGaT Center For Human Genetics Tuebingen Variant Classification Criteria Version 2. Collection method: clinical testing. Allele origin: germline. Affected: yes. Observed: 1 variant allele.
Comment: WDR33: PP2, BP4, BS2